The following is an entry in ClinVar:

ClinVar aggregate classification (germline): Uncertain significance. Review status: criteria provided, single submitter (1 of 4 stars). 2 submissions from 2 submitters: Uncertain significance (1). 1 of the submissions does not count toward it. Last evaluated 2025-10-27.

Conditions:
Cardiovascular phenotype. Identifiers: MedGen CN230736.
Progressive familial heart block type IB (PFHB1B). Identifiers: Orphanet 871, MedGen C1970298, MONDO:0011474, OMIM 604559.

Allele frequency attached by ClinVar (database versions not stated): TOPMed below 0.00001; ExAC 0.00001; gnomAD exomes below 0.00001.
gnomAD v4.1: 4 of 1,614,024 alleles (0.00025%); highest among the groups gnomAD compares: Middle Eastern, 0.033%; no homozygotes.

Submissions (2):

Ambry Genetics
Classification: Uncertain significance for Cardiovascular phenotype. Last evaluated: 2025-10-27. Review status: criteria provided, single submitter. Criteria: Ambry Variant Classification Scheme 2023. Collection method: clinical testing. Allele origin: germline.
Comment: The p.R474L variant (also known as c.1421G>T), located in coding exon 11 of the TRPM4 gene, results from a G to T substitution at nucleotide position 1421. The arginine at codon 474 is replaced by leucine, an amino acid with dissimilar properties. This amino acid position is conserved. In addition, this alteration is predicted to be tolerated by in silico analysis. Based on the available evidence, the clinical significance of this variant remains unclear.

Dr.Nikuei Genetic Center
Classification: Likely benign for Progressive familial heart block type IB. Review status: no assertion criteria provided. Collection method: clinical testing. Allele origin: germline. Inheritance: Autosomal dominant inheritance. Affected: no. Not counted in ClinVar's aggregate classification.

NM_017636.4(TRPM4):c.1421G>T (p.Arg474Leu)

Gene: TRPM4 (transient receptor potential cation channel subfamily M member 4; plus strand). Cytogenetic location: 19q13.33.
Variant type: single nucleotide variant.
Coding change: c.1421G>T on transcript NM_017636.4 (MANE Select); coding-DNA position 1421, G replaced by T.
Protein change: p.Arg474Leu; replaces arginine 474 with leucine.
Molecular consequence: missense variant. On other transcripts: 5 prime UTR variant (1).
Genome position (GRCh38, 1-based): chr19:49,182,735, G>T. VCF-style: chr19-49182735-G-T. GRCh37 (hg19) VCF-style: chr19-49685992-G-T.
Other names: c.1421G>T (NM_017636.3); c.1421G>T, p.Arg474Leu (NM_001195227.2); c.1076G>T, p.Arg359Leu (NM_001321281.2); c.-133G>T (NM_001321282.2); c.899G>T, p.Arg300Leu (NM_001321283.2); c.359G>T, p.Arg120Leu (NM_001321285.2); short protein forms R120L, R300L, R359L, R474L.
Identifiers: ClinVar variation 3242370 (VCV003242370.2), dbSNP rs747037268.